The following is an entry in ClinVar:

ClinVar aggregate classification (germline): Uncertain significance (1 of 4 stars; one submission).

Submission:

Labcorp Genetics (formerly Invitae), Labcorp
Classification: Uncertain significance. Last evaluated: 2022-09-22. Review status: criteria provided, single submitter. Criteria: Invitae Variant Classification Sherloc (09022015). Collection method: clinical testing. Allele origin: germline.
Comment: This sequence change replaces alanine, which is neutral and non-polar, with glycine, which is neutral and non-polar, at codon 1474 of the TET2 protein (p.Ala1474Gly). This variant is not present in population databases (gnomAD no frequency). This variant has not been reported in the literature in individuals affected with TET2-related conditions. Algorithms developed to predict the effect of missense changes on protein structure and function (SIFT, PolyPhen-2, Align-GVGD) all suggest that this variant is likely to be disruptive. In summary, the available evidence is currently insufficient to determine the role of this variant in disease. Therefore, it has been classified as a Variant of Uncertain Significance.

NM_001127208.3(TET2):c.4421C>G (p.Ala1474Gly)

Genes: TET2 (tet methylcytosine dioxygenase 2; plus strand), TET2-AS1 (TET2 antisense RNA 1; minus strand). Cytogenetic location: 4q24.
Variant type: single nucleotide variant.
Coding change: c.4421C>G on transcript NM_001127208.3 (MANE Select); coding-DNA position 4421, C replaced by G.
Protein change: p.Ala1474Gly; replaces alanine 1474 with glycine.
Molecular consequence: missense variant.
Genome position (GRCh38, 1-based): chr4:105,272,802, C>G. VCF-style: chr4-105272802-C-G. GRCh37 (hg19) VCF-style: chr4-106193959-C-G.
Other names: short protein forms A1474G.
Identifiers: ClinVar variation 2031939 (VCV002031939.4), dbSNP rs2110306995, ClinGen allele CA357811747.